The following is an entry in ClinVar:

NM_032043.3(BRIP1):c.3075A>T (p.Ser1025=)

Gene: BRIP1 (BRCA1 interacting DNA helicase 1; minus strand). Cytogenetic location: 17q23.2.
Variant type: single nucleotide variant.
Coding change: c.3075A>T on transcript NM_032043.3 (MANE Select); coding-DNA position 3075, A replaced by T.
Protein change: p.Ser1025=; no amino-acid change (serine 1025 retained).
Molecular consequence: synonymous variant.
Genome position (GRCh38, 1-based): chr17:61,683,971, T>A on the plus strand (A>T on the coding strand, the complement: BRIP1 is on the minus strand). VCF-style: chr17-61683971-T-A. GRCh37 (hg19) VCF-style: chr17-59761332-T-A.
Identifiers: ClinVar variation 414657 (VCV000414657.23), dbSNP rs1060504319, ClinGen allele CA16615766.

ClinVar aggregate classification (germline): Benign/Likely benign. Review status: criteria provided, multiple submitters, no conflicts (2 of 4 stars). 6 submissions from 6 submitters: Benign (1); Likely benign (5). Last evaluated 2025-12-21.

Conditions:
Fanconi anemia complementation group J. Also called: BRIP1-Related Fanconi Anemia. Identifiers: Orphanet 84, MedGen C1836860, MONDO:0012187, OMIM 609054.
Familial cancer of breast. Also called: Hereditary breast cancer; BREAST CANCER, FAMILIAL; hereditary breast carcinoma. Identifiers: Orphanet 227535, MedGen C0346153, MONDO:0016419, OMIM 114480. Disease mechanism: loss of function.
Hereditary cancer-predisposing syndrome. Also called: Tumor predisposition; Neoplastic Syndromes, Hereditary; Hereditary Cancer Syndrome; Hereditary neoplastic syndrome. Identifiers: Orphanet 140162, MedGen C0027672, MeSH D009386, MONDO:0015356.

Allele frequency attached by ClinVar (database versions not stated): gnomAD exomes below 0.00001; TOPMed below 0.00001; gnomAD 0.00001.
gnomAD v4.1: 4 of 1,614,098 alleles (0.00025%); highest among the groups gnomAD compares: Non-Finnish European, 0.00034%; no homozygotes.

Submissions (6):

Labcorp Genetics (formerly Invitae), Labcorp
Classification: Likely benign for Familial cancer of breast; Fanconi anemia complementation group J. Last evaluated: 2025-12-21. Review status: criteria provided, single submitter. Criteria: Invitae Variant Classification Sherloc (09022015). Collection method: clinical testing. Allele origin: germline.

Center for Genomic Medicine, Rigshospitalet, Copenhagen University Hospital
Classification: Likely benign. Last evaluated: 2025-03-04. Review status: criteria provided, single submitter. Criteria: ACMG Guidelines, 2015. Collection method: clinical testing. Allele origin: germline.

Myriad Genetics, Inc.
Classification: Benign for Familial cancer of breast. Last evaluated: 2024-09-09. Review status: criteria provided, single submitter. Criteria: Myriad Autosomal Dominant, Autosomal Recessive and X-Linked Classification Criteria (2023). Collection method: clinical testing. Allele origin: unknown.
Comment: This variant is considered benign. This variant is a silent/synonymous amino acid change and it is not expected to impact splicing.

Genetic Services Laboratory, University of Chicago
Classification: Likely benign. Last evaluated: 2021-07-27. Review status: criteria provided, single submitter. Criteria: ACMG Guidelines, 2015. Collection method: clinical testing. Allele origin: germline. Affected: no.

Color Diagnostics, LLC DBA Color Health
Classification: Likely benign for Hereditary cancer-predisposing syndrome. Last evaluated: 2018-10-02. Review status: criteria provided, single submitter. Criteria: ACMG Guidelines, 2015. Collection method: clinical testing. Allele origin: germline.

Ambry Genetics
Classification: Likely benign for Hereditary cancer-predisposing syndrome. Last evaluated: 2017-02-01. Review status: criteria provided, single submitter. Criteria: Ambry Variant Classification Scheme 2023. Collection method: clinical testing. Allele origin: germline.